The following is an entry in ClinVar:

ClinVar aggregate classification (germline): Uncertain significance (1 of 4 stars; one submission).

Conditions:
Tuberous sclerosis 1 (TSC1). Identifiers: Orphanet 805, MedGen C1854465, MONDO:0008612, OMIM 191100.

Submission:

Labcorp Genetics (formerly Invitae), Labcorp
Classification: Uncertain significance for Tuberous sclerosis 1. Last evaluated: 2022-11-26. Review status: criteria provided, single submitter. Criteria: Invitae Variant Classification Sherloc (09022015). Collection method: clinical testing. Allele origin: germline.
Comment: In summary, the available evidence is currently insufficient to determine the role of this variant in disease. Therefore, it has been classified as a Variant of Uncertain Significance. Advanced modeling of protein sequence and biophysical properties (such as structural, functional, and spatial information, amino acid conservation, physicochemical variation, residue mobility, and thermodynamic stability) performed at Invitae indicates that this missense variant is not expected to disrupt TSC1 protein function. This variant has not been reported in the literature in individuals affected with TSC1-related conditions. This variant is not present in population databases (gnomAD no frequency). This sequence change replaces threonine, which is neutral and polar, with asparagine, which is neutral and polar, at codon 873 of the TSC1 protein (p.Thr873Asn).

NM_000368.5(TSC1):c.2618C>A (p.Thr873Asn)

Gene: TSC1 (TSC complex subunit 1; minus strand). Cytogenetic location: 9q34.13.
Variant type: single nucleotide variant.
Coding change: c.2618C>A on transcript NM_000368.5 (MANE Select); coding-DNA position 2618, C replaced by A.
Protein change: p.Thr873Asn; replaces threonine 873 with asparagine.
Molecular consequence: missense variant. On other transcripts: non-coding transcript variant (5).
Genome position (GRCh38, 1-based): chr9:132,900,722, G>T on the plus strand (C>A on the coding strand, the complement: TSC1 is on the minus strand). VCF-style: chr9-132900722-G-T. GRCh37 (hg19) VCF-style: chr9-135776109-G-T.
Other names: c.2615C>A, p.Thr872Asn (NM_001162426.2, NM_001406597.1, NM_001406598.1 and 2 more transcripts); c.2465C>A, p.Thr822Asn (NM_001162427.2, NM_001406610.1); c.2255C>A, p.Thr752Asn (NM_001362177.2, NM_001406614.1, NM_001406615.1 and 4 more transcripts); c.2618C>A, p.Thr873Asn (NM_001406592.1, NM_001406593.1, NM_001406594.1 and 2 more transcripts); c.2603C>A, p.Thr868Asn (NM_001406601.1, NM_001406602.1); c.2600C>A, p.Thr867Asn (NM_001406603.1, NM_001406604.1); c.2252C>A, p.Thr751Asn (NM_001406620.1, NM_001406621.1, NM_001406622.1 and 1 more transcripts); c.2213C>A, p.Thr738Asn (NM_001406624.1); and 8 more; short protein forms T751N, T807N, T821N, T822N, T859N, T752N, T872N, T873N.
Identifiers: ClinVar variation 2816911 (VCV002816911.3), dbSNP rs2538547467, ClinGen allele CA375369846.